The following is an entry in ClinVar:

ClinVar aggregate classification (germline): Benign/Likely benign. Review status: criteria provided, multiple submitters, no conflicts (2 of 4 stars). 8 submissions from 8 submitters: Benign (4); Likely benign (3). 1 of the submissions does not count toward it. Last evaluated 2026-09-01.

Conditions:
APTX-related disorder. Also called: APTX-related condition.
Ataxia, early-onset, with oculomotor apraxia and hypoalbuminemia (EAOH). Also called: ATAXIA-OCULOMOTOR APRAXIA SYNDROME; ATAXIA-TELANGIECTASIA-LIKE SYNDROME; Ataxia-oculomotor apraxia type 1. Identifiers: Orphanet 1168, MedGen C1859598, MONDO:0008842, OMIM 208920.

Allele frequency attached by ClinVar (database versions not stated): gnomAD exomes 0.00061 and 0.00163; ExAC 0.00207; gnomAD 0.00552 and 0.00598; 1000 Genomes Project 30x 0.00609; ESP Exome Variant Server 0.00615; 1000 Genomes Project 0.00619; TOPMed 0.00627.

Submissions (8):

CeGaT Center for Human Genetics Tuebingen
Classification: Benign. Last evaluated: 2026-09-01. Review status: criteria provided, single submitter. Criteria: CeGaT Center For Human Genetics Tuebingen Variant Classification Criteria Version 2. Collection method: clinical testing. Allele origin: germline. Affected: yes. Observed: 5 variant alleles.
Comment: APTX: BS1, BS2

Labcorp Genetics (formerly Invitae), Labcorp
Classification: Benign. Last evaluated: 2025-12-22. Review status: criteria provided, single submitter. Criteria: Invitae Variant Classification Sherloc (09022015). Collection method: clinical testing. Allele origin: germline.

Athena Diagnostics
Classification: Benign. Last evaluated: 2024-05-09. Review status: criteria provided, single submitter. Criteria: Athena Diagnostics Criteria. Collection method: clinical testing. Allele origin: unknown.

Mendelics
Classification: Benign for Ataxia, early-onset, with oculomotor apraxia and hypoalbuminemia. Last evaluated: 2019-05-28. Review status: criteria provided, single submitter. Criteria: Mendelics Assertion Criteria 2017. Collection method: clinical testing. Allele origin: unknown.

Eurofins Ntd Llc (ga)
Classification: Likely benign. Last evaluated: 2017-05-01. Review status: criteria provided, single submitter. Criteria: EGL Classification Definitions 2015. Collection method: clinical testing. Allele origin: germline. Observed: 1 variant allele, 1 heterozygote.

Center for Pediatric Genomic Medicine, Children's Mercy Hospital and Clinics
Classification: Likely benign. Last evaluated: 2017-02-22. Review status: criteria provided, single submitter. Criteria: ACMG Guidelines, 2015. Collection method: clinical testing. Allele origin: germline.

Breakthrough Genomics
Classification: Likely benign. Review status: criteria provided, single submitter. Criteria: ACMG Guidelines, 2015. Collection method: not provided. Allele origin: germline. Inheritance: Autosomal recessive inheritance. Affected: yes.

PreventionGenetics, part of Exact Sciences
Classification: Benign for APTX-related condition. Last evaluated: 2020-06-22. Review status: no assertion criteria provided. Collection method: clinical testing. Allele origin: germline. Not counted in ClinVar's aggregate classification.
Comment: This variant is classified as benign based on ACMG/AMP sequence variant interpretation guidelines (Richards et al. 2015 PMID: 25741868, with internal and published modifications).

Literature cited by the submitters: PubMed 29530532 (cited by Athena Diagnostics); PubMed 11586300 (cited by Athena Diagnostics); PubMed 15790557 (cited by Athena Diagnostics); PubMed 21228398 (cited by Athena Diagnostics); PubMed 21984210 (cited by Athena Diagnostics); PubMed 15365154 (cited by Athena Diagnostics).

NM_001195248.2(APTX):c.596G>A (p.Arg199His)

Gene: APTX (aprataxin; minus strand). Cytogenetic location: 9p21.1.
Variant type: single nucleotide variant.
Coding change: c.596G>A on transcript NM_001195248.2 (MANE Select); coding-DNA position 596, G replaced by A.
Protein change: p.Arg199His; replaces arginine 199 with histidine.
Molecular consequence: missense variant. On other transcripts: non-coding transcript variant (9).
Genome position (GRCh38, 1-based): chr9:32,984,805, C>T on the plus strand (G>A on the coding strand, the complement: APTX is on the minus strand). VCF-style: chr9-32984805-C-T. GRCh37 (hg19) VCF-style: chr9-32984803-C-T.
Other names: c.596G>A, p.Arg199His (NM_001195249.2, NM_001195251.2, NM_001368995.1 and 6 more transcripts); c.434G>A, p.Arg145His (NM_001195250.2, NM_001195254.2, NM_001369000.1 and 1 more transcripts); c.380G>A, p.Arg127His (NM_001195252.2); c.332G>A, p.Arg111His (NM_001369002.1, NM_001369003.1, NM_001369004.1 and 5 more transcripts); short protein forms R199H, R145H, R111H, R127H.
Identifiers: ClinVar variation 214120 (VCV000214120.45), dbSNP rs150886026, ClinGen allele CA323767.